The following is an entry in ClinVar:

ClinVar aggregate classification (germline): Conflicting classifications of pathogenicity. Review status: criteria provided, conflicting classifications (1 of 4 stars). 5 submissions from 5 submitters: Pathogenic (1); Likely pathogenic (1); Uncertain significance (1). 2 of the submissions do not count toward it. Last evaluated 2023-03-07.

Conditions:
Dyskeratosis congenita. Identifiers: Orphanet 1775, MedGen C0265965, MONDO:0015780.
Isolated cerebellar hypoplasia/agenesis (CHEGDD). Also called: Cerebellar hypoplasia/atrophy, epilepsy, and global developmental delay. Identifiers: Orphanet 1398, Orphanet 2246, MedGen C5231391, MONDO:0008939, OMIM 213000.
Dyskeratosis congenita, X-linked (DKCX). Also called: Zinsser-Cole-Engman Syndrome. Identifiers: MedGen C1148551, MONDO:0010584, OMIM 305000.

Submissions (5):

Labcorp Genetics (formerly Invitae), Labcorp
Classification: Uncertain significance for Dyskeratosis congenita. Last evaluated: 2023-03-07. Review status: criteria provided, single submitter. Criteria: Invitae Variant Classification Sherloc (09022015). Collection method: clinical testing. Allele origin: germline.
Comment: This variant is not present in population databases (gnomAD no frequency). This missense change has been observed in individuals with cerebellar hypoplasia (CBLH) and/or Hoyeraal-Hreidarsson syndrome (PMID: 21931702, 28930861, 31474318). ClinVar contains an entry for this variant (Variation ID: 379736). Advanced modeling of protein sequence and biophysical properties (such as structural, functional, and spatial information, amino acid conservation, physicochemical variation, residue mobility, and thermodynamic stability) performed at Invitae indicates that this missense variant is expected to disrupt DKC1 protein function. In summary, the available evidence is currently insufficient to determine the role of this variant in disease. Therefore, it has been classified as a Variant of Uncertain Significance. This sequence change replaces arginine, which is basic and polar, with glutamine, which is neutral and polar, at codon 378 of the DKC1 protein (p.Arg378Gln).

Dasa
Classification: Likely pathogenic for Dyskeratosis congenita, X-linked. Last evaluated: 2022-02-05. Review status: criteria provided, single submitter. Criteria: ACMG Guidelines, 2015. Collection method: clinical testing. Allele origin: germline. Affected: yes. Observed: 1 variant allele.
Comment: The c.1133G>A;p.(Arg378Gln) missense variant has been observed in affected individual(s) and ClinVar contains an entry for this variant (ClinVar ID: 379736; PMID: 31474318; 21931702) - PS4_moderate. This variant is not present in population databases (rs1057520719; gnomAD; ABraOM no frequency) - PM2. Missense variant in DKC1 that has a low rate of benign missense variation and in which missense variants are a common mechanism of disease - PP2. Multiple lines of computational evidence support a deleterious effect on the gene or gene product - PP3. In summary, the currently available evidence indicates that the variant is likely pathogenic.

GeneDx
Classification: Pathogenic. Last evaluated: 2015-05-08. Review status: criteria provided, single submitter. Criteria: GeneDx Variant Classification (06012015). Collection method: clinical testing. Allele origin: germline. Affected: yes.
Comment: The R378Q variant in the DKC1 gene has been reported previously in a patient with Hoyeraal-Hreidarrson (HH) syndrome, who had microcephaly, enteropathy, and immunodeficiency (Vulliamy et al.,2011). The R378Q variant was not observed in approximately 6500 individuals of European and African American ancestry in the NHLBI Exome Sequencing Project, indicating it is not a common benign variant in these populations. The R378Q variant is a semi-conservative amino acid substitution, which occurs at aposition that is conserved across species. In silico analysis predicts this variant is probably damaging tothe protein structure/function. Missense variants in nearby residues (P384L and A386T) have beenreported in the Human Gene Mutation Database in association with DKC1-related disorders (Stenson etal., 2014), supporting the functional importance of this region of the protein. We interpret R378Q as a pathogenic variant.

Dobyns Lab, Seattle Children's Research Institute
Classification: Pathogenic for Dyskeratosis congenita X-linked. Last evaluated: 2019-02-18. Review status: no assertion criteria provided. Collection method: research. Allele origin: germline. Affected: yes. Observed: 1 variant allele. Not counted in ClinVar's aggregate classification.

University of Washington Center for Mendelian Genomics, University of Washington
Classification: Likely pathogenic for Cerebellar hypoplasia. Review status: no assertion criteria provided. Collection method: research. Allele origin: de novo. Affected: yes. Not counted in ClinVar's aggregate classification.

Literature cited by the submitters: PubMed 21931702 (cited by Labcorp Genetics (formerly Invitae), Labcorp and Dasa); PubMed 28930861 (cited by Labcorp Genetics (formerly Invitae), Labcorp); PubMed 31474318 (cited by 3 submitters).

NM_001363.5(DKC1):c.1133G>A (p.Arg378Gln)

Gene: DKC1 (dyskerin pseudouridine synthase 1; plus strand). Cytogenetic location: Xq28.
Variant type: single nucleotide variant.
Coding change: c.1133G>A on transcript NM_001363.5 (MANE Select); coding-DNA position 1133, G replaced by A.
Protein change: p.Arg378Gln; replaces arginine 378 with glutamine.
Molecular consequence: missense variant. On other transcripts: non-coding transcript variant (3).
Genome position (GRCh38, 1-based): chrX:154,773,227, G>A. VCF-style: chrX-154773227-G-A. GRCh37 (hg19) VCF-style: chrX-154001502-G-A.
Other names: c.1133G>A, p.Arg378Gln (NM_001142463.3, NM_001288747.2); short protein forms R378Q.
Identifiers: ClinVar variation 379736 (VCV000379736.10), dbSNP rs1057520719, ClinGen allele CA16608850.
Genomic context (GRCh38, chrX:154,773,227, plus strand): 5'-GCGACCATGGTATAGTAGCCAAGATCAAGAGAGTGATCATGGAGAGAGACACTTACCCTC[G>A]GAAGTGGGGTTTAGGTCCAAAGGTAAGTGGTACTGGGTTGCGTGCCCTGCCAGGTTCTTT-3'
Protein context (NP_001354.1, residues 368-388): RVIMERDTYP[Arg378Gln]KWGLGPKASQ